The following is an entry in ClinVar:

ClinVar aggregate classification (germline): Uncertain significance (1 of 4 stars; one submission).

Conditions:
Hereditary cancer-predisposing syndrome. Also called: Neoplastic Syndromes, Hereditary; Tumor predisposition; Hereditary neoplastic syndrome; Hereditary Cancer Syndrome. Identifiers: Orphanet 140162, MedGen C0027672, MeSH D009386, MONDO:0015356.
Cardiovascular phenotype. Identifiers: MedGen CN230736.

Submission:

Ambry Genetics
Classification: Uncertain significance for Cardiovascular phenotype; Hereditary cancer-predisposing syndrome. Last evaluated: 2023-04-19. Review status: criteria provided, single submitter. Criteria: Ambry Variant Classification Scheme 2023. Collection method: clinical testing. Allele origin: germline.
Comment: The p.N196H variant (also known as c.586A>C), located in coding exon 6 of the LZTR1 gene, results from an A to C substitution at nucleotide position 586. The asparagine at codon 196 is replaced by histidine, an amino acid with similar properties. This amino acid position is conserved. In addition, this alteration is predicted to be tolerated by in silico analysis. Since supporting evidence is limited at this time, the clinical significance of this alteration remains unclear.

NM_006767.4(LZTR1):c.586A>C (p.Asn196His)

Gene: LZTR1 (leucine zipper like post translational regulator 1; plus strand). Cytogenetic location: 22q11.21.
Variant type: single nucleotide variant.
Coding change: c.586A>C on transcript NM_006767.4 (MANE Select); coding-DNA position 586, A replaced by C.
Protein change: p.Asn196His; replaces asparagine 196 with histidine.
Molecular consequence: missense variant.
Genome position (GRCh38, 1-based): chr22:20,988,865, A>C. VCF-style: chr22-20988865-A-C. GRCh37 (hg19) VCF-style: chr22-21343154-A-C.
Other names: short protein forms N196H.
Identifiers: ClinVar variation 3238312 (VCV003238312.1), dbSNP rs2518614206.